The following is an entry in ClinVar:

NM_152703.5(SAMD9L):c.1201C>T (p.Leu401Phe)

Gene: SAMD9L (sterile alpha motif domain containing 9 like; minus strand). Cytogenetic location: 7q21.2.
Variant type: single nucleotide variant.
Coding change: c.1201C>T on transcript NM_152703.5 (MANE Select); coding-DNA position 1201, C replaced by T.
Protein change: p.Leu401Phe; replaces leucine 401 with phenylalanine.
Molecular consequence: missense variant.
Genome position (GRCh38, 1-based): chr7:93,134,771, G>A on the plus strand (C>T on the coding strand, the complement: SAMD9L is on the minus strand). VCF-style: chr7-93134771-G-A. GRCh37 (hg19) VCF-style: chr7-92764084-G-A.
Other names: c.1201C>T, p.Leu401Phe (NM_001303496.3, NM_001303497.3, NM_001303498.3 and 5 more transcripts); c.1201C>T (NM_152703.3, NM_152703.2); short protein forms L401F.
Identifiers: ClinVar variation 2156751 (VCV002156751.7), dbSNP rs780776637, ClinGen allele CA4343756.

ClinVar aggregate classification (germline): Conflicting classifications of pathogenicity. Review status: criteria provided, conflicting classifications (1 of 4 stars). 4 submissions from 4 submitters: Uncertain significance (2); Likely benign (2). Last evaluated 2025-04-17.

Conditions:
Inborn genetic diseases. Identifiers: MedGen C0950123, MeSH D030342.

Allele frequency attached by ClinVar (database versions not stated): gnomAD 0.00001; gnomAD exomes 0.00001; TOPMed 0.00002; ExAC 0.00007.
gnomAD v4.1: 18 of 1,613,202 alleles (0.0011%); highest among the groups gnomAD compares: Admixed American, 0.023%; no homozygotes.

Submissions (4):

Labcorp Genetics (formerly Invitae), Labcorp
Classification: Uncertain significance. Last evaluated: 2025-04-17. Review status: criteria provided, single submitter. Criteria: Invitae Variant Classification Sherloc (09022015). Collection method: clinical testing. Allele origin: germline.
Comment: This sequence change replaces leucine, which is neutral and non-polar, with phenylalanine, which is neutral and non-polar, at codon 401 of the SAMD9L protein (p.Leu401Phe). This variant is present in population databases (rs780776637, gnomAD 0.03%). This variant has not been reported in the literature in individuals affected with SAMD9L-related conditions. ClinVar contains an entry for this variant (Variation ID: 2156751). Invitae Evidence Modeling of protein sequence and biophysical properties (such as structural, functional, and spatial information, amino acid conservation, physicochemical variation, residue mobility, and thermodynamic stability) indicates that this missense variant is not expected to disrupt SAMD9L protein function with a negative predictive value of 80%. In summary, the available evidence is currently insufficient to determine the role of this variant in disease. Therefore, it has been classified as a Variant of Uncertain Significance.

Ambry Genetics
Classification: Likely benign for Inborn genetic diseases. Last evaluated: 2024-11-23. Review status: criteria provided, single submitter. Criteria: Ambry Variant Classification Scheme 2023. Collection method: clinical testing. Allele origin: germline.

GeneDx
Classification: Uncertain significance. Last evaluated: 2024-10-21. Review status: criteria provided, single submitter. Criteria: GeneDx Variant Classification Process June 2021. Collection method: clinical testing. Allele origin: germline.
Comment: In silico analysis indicates that this missense variant does not alter protein structure/function; Has not been previously published as pathogenic or benign to our knowledge

Blueprint Genetics
Classification: Likely benign. Last evaluated: 2019-01-02. Review status: criteria provided, single submitter. Criteria: ACMG Guidelines, 2015. Collection method: clinical testing. Allele origin: germline.